The following is an entry in ClinVar:

ClinVar aggregate classification (germline): Conflicting classifications of pathogenicity. Review status: criteria provided, conflicting classifications (1 of 4 stars). 6 submissions from 6 submitters: Uncertain significance (3); Likely benign (2). 1 of the submissions does not count toward it. Last evaluated 2025-08-29.

Conditions:
Hereditary cancer-predisposing syndrome. Also called: Neoplastic Syndromes, Hereditary; Tumor predisposition; Hereditary neoplastic syndrome; Hereditary Cancer Syndrome. Identifiers: Orphanet 140162, MedGen C0027672, MeSH D009386, MONDO:0015356.
Hereditary breast ovarian cancer syndrome. Also called: Hereditary breast and ovarian cancer syndrome; Hereditary breast and ovarian cancer; Hereditary breast and ovarian cancer syndrome (HBOC); Breast and ovarian cancer; Hereditary breast and/or ovarian cancer syndrome; BRCA1- and BRCA2-Associated Hereditary Breast and Ovarian Cancer. Identifiers: Orphanet 145, MedGen C0677776, MeSH D061325, MONDO:0003582. Disease mechanism: loss of function.
Breast-ovarian cancer, familial, susceptibility to, 2 (BROVCA2). Also called: BRCA2 Hereditary Breast and Ovarian Cancer. Identifiers: Orphanet 145, MedGen C2675520, MONDO:0012933, OMIM 612555. Disease mechanism: loss of function.

Allele frequency attached by ClinVar (database versions not stated): gnomAD 0.00001; gnomAD exomes 0.00001 and 0.00002; TOPMed 0.00001; ExAC 0.00003; 1000 Genomes Project 30x 0.00016; 1000 Genomes Project 0.00020.
gnomAD v4.1: 5 of 1,586,520 alleles (0.00032%); highest among the groups gnomAD compares: South Asian, 0.0046%; no homozygotes.

Submissions (6):

Labcorp Genetics (formerly Invitae), Labcorp
Classification: Uncertain significance for Hereditary breast ovarian cancer syndrome. Last evaluated: 2025-08-29. Review status: criteria provided, single submitter. Criteria: Invitae Variant Classification Sherloc (09022015). Collection method: clinical testing. Allele origin: germline.
Comment: This sequence change replaces proline, which is neutral and non-polar, with serine, which is neutral and polar, at codon 1702 of the BRCA2 protein (p.Pro1702Ser). This variant is present in population databases (rs80358734, gnomAD 0.02%). This missense change has been observed in individual(s) with breast and/or ovarian cancer (PMID: 17503080, 28039656). This variant is also known as c.5332C>T. ClinVar contains an entry for this variant (Variation ID: 51768). Invitae Evidence Modeling of protein sequence and biophysical properties (such as structural, functional, and spatial information, amino acid conservation, physicochemical variation, residue mobility, and thermodynamic stability) indicates that this missense variant is not expected to disrupt BRCA2 protein function with a negative predictive value of 95%. In summary, the available evidence is currently insufficient to determine the role of this variant in disease. Therefore, it has been classified as a Variant of Uncertain Significance.

Quest Diagnostics Nichols Institute San Juan Capistrano
Classification: Uncertain significance. Last evaluated: 2025-02-12. Review status: criteria provided, single submitter. Criteria: Quest Diagnostics criteria. Collection method: clinical testing. Allele origin: unknown.
Comment: The BRCA2 c.5104C>T (p.Pro1702Ser) variant has been reported in the published literature in individuals with breast cancer (PMID: 33471991 (2021), 28039656 (2017), 17503080 (2007), see also LOVD), individuals with either a personal or family history of hereditary cancer (PMID: 31853058 (2020)), and described to be located in a region of the BRCA2 gene that is tolerant to missense sequence changes (PMID: 31911673 (2020)). The frequency of this variant in the general population (Genome Aggregation Database) is uninformative in the assessment of its pathogenicity. Analysis of this variant using bioinformatics tools for the prediction of the effect of amino acid changes on protein structure and function yielded predictions that this variant is benign. Based on the available information, we are unable to determine the clinical significance of this variant.

Ambry Genetics
Classification: Likely benign for Hereditary cancer-predisposing syndrome. Last evaluated: 2024-12-27. Review status: criteria provided, single submitter. Criteria: Ambry Variant Classification Scheme 2023. Collection method: clinical testing. Allele origin: germline.

University of Washington Department of Laboratory Medicine, University of Washington
Classification: Likely benign for Hereditary cancer-predisposing syndrome. Last evaluated: 2023-03-23. Review status: criteria provided, single submitter. Criteria: Dines et al. (Genet Med. 2020). Collection method: curation. Allele origin: germline.
Comment: Missense variant in a coldspot region where missense variants are very unlikely to be pathogenic (PMID:31911673).

BRCA2 exon 11 coldspot. Reclassification based on statistical prior probability.

Color Diagnostics, LLC DBA Color Health
Classification: Uncertain significance for Hereditary cancer-predisposing syndrome. Last evaluated: 2020-11-16. Review status: criteria provided, single submitter. Criteria: ACMG Guidelines, 2015. Collection method: clinical testing. Allele origin: germline.
Comment: This missense variant replaces proline with serine at codon 1702 of the BRCA2 protein. Computational prediction suggests that this variant may not impact protein structure and function (internally defined REVEL score threshold <= 0.5, PMID: 27666373). To our knowledge, functional studies have not been reported for this variant. This variant has been reported in individuals affected with breast or ovarian cancer (PMID: 17503080, 28039656). This variant has been identified in 5/231318 chromosomes in the general population by the Genome Aggregation Database (gnomAD). The available evidence is insufficient to determine the role of this variant in disease conclusively. Therefore, this variant is classified as a Variant of Uncertain Significance.

Breast Cancer Information Core (BIC) (BRCA2)
Classification: Uncertain significance for Breast-ovarian cancer, familial 2. Last evaluated: 2003-12-23. Review status: no assertion criteria provided. Collection method: clinical testing. Allele origin: germline. Affected: yes. Observed: 1 variant allele. Not counted in ClinVar's aggregate classification.

Literature cited by the submitters: PubMed 17503080 (cited by 3 submitters); PubMed 28039656 (cited by 3 submitters); PubMed 33471991 (cited by Quest Diagnostics Nichols Institute San Juan Capistrano); PubMed 31853058 (cited by Quest Diagnostics Nichols Institute San Juan Capistrano); PubMed 31911673 (cited by Quest Diagnostics Nichols Institute San Juan Capistrano).

NM_000059.4(BRCA2):c.5104C>T (p.Pro1702Ser)

Gene: BRCA2 (BRCA2 DNA repair associated; plus strand). Cytogenetic location: 13q13.1.
Variant type: single nucleotide variant.
Coding change: c.5104C>T on transcript NM_000059.4 (MANE Select); coding-DNA position 5104, C replaced by T.
Protein change: p.Pro1702Ser; replaces proline 1702 with serine.
Molecular consequence: missense variant.
Genome position (GRCh38, 1-based): chr13:32,339,459, C>T. VCF-style: chr13-32339459-C-T. GRCh37 (hg19) VCF-style: chr13-32913596-C-T.
Other names: short protein forms P1702S.
Identifiers: ClinVar variation 51768 (VCV000051768.24), dbSNP rs80358734, ClinGen allele CA021263.